The following is an entry in ClinVar:

ClinVar aggregate classification (germline): Uncertain significance (1 of 4 stars; one submission).

Conditions:
Immunodeficiency 23 (IMD23). Also called: IMMUNODEFICIENCY WITH HYPER IgE AND COGNITIVE IMPAIRMENT; IMMUNODEFICIENCY-VASCULITIS-MYOCLONUS SYNDROME. Identifiers: Orphanet 443811, MedGen C4014371, MONDO:0014353, OMIM 615816.

Submission:

Labcorp Genetics (formerly Invitae), Labcorp
Classification: Uncertain significance for Immunodeficiency 23. Last evaluated: 2022-08-19. Review status: criteria provided, single submitter. Criteria: Invitae Variant Classification Sherloc (09022015). Collection method: clinical testing. Allele origin: germline.
Comment: This variant is not present in population databases (gnomAD no frequency). This sequence change replaces alanine, which is neutral and non-polar, with threonine, which is neutral and polar, at codon 226 of the PGM3 protein (p.Ala226Thr). This variant has not been reported in the literature in individuals affected with PGM3-related conditions. In summary, the available evidence is currently insufficient to determine the role of this variant in disease. Therefore, it has been classified as a Variant of Uncertain Significance. Algorithms developed to predict the effect of missense changes on protein structure and function output the following: SIFT: "Tolerated"; PolyPhen-2: "Benign"; Align-GVGD: "Class C0". The threonine amino acid residue is found in multiple mammalian species, which suggests that this missense change does not adversely affect protein function.

NM_015599.3(PGM3):c.592G>A (p.Ala198Thr)

Gene: PGM3 (phosphoglucomutase 3; minus strand). Cytogenetic location: 6q14.1.
Variant type: single nucleotide variant.
Coding change: c.592G>A on transcript NM_015599.3 (MANE Select); coding-DNA position 592, G replaced by A.
Protein change: p.Ala198Thr; replaces alanine 198 with threonine.
Molecular consequence: missense variant. On other transcripts: non-coding transcript variant (1).
Genome position (GRCh38, 1-based): chr6:83,181,931, C>T on the plus strand (G>A on the coding strand, the complement: PGM3 is on the minus strand). VCF-style: chr6-83181931-C-T. GRCh37 (hg19) VCF-style: chr6-83891650-C-T.
Other names: c.676G>A, p.Ala226Thr (NM_001199917.2, NM_001367287.1); c.349G>A, p.Ala117Thr (NM_001199918.2); c.592G>A, p.Ala198Thr (NM_001199919.2, NM_001367286.1); short protein forms A117T, A198T, A226T.
Identifiers: ClinVar variation 1716835 (VCV001716835.5), dbSNP rs2538141429, ClinGen allele CA364882412.